The following is an entry in ClinVar:

NM_152906.7(TANGO2):c.571G>A (p.Ala191Thr)

Gene: TANGO2 (transport and golgi organization 2 homolog; plus strand). Cytogenetic location: 22q11.21.
Variant type: single nucleotide variant.
Coding change: c.571G>A on transcript NM_152906.7 (MANE Select); coding-DNA position 571, G replaced by A.
Protein change: p.Ala191Thr; replaces alanine 191 with threonine.
Molecular consequence: missense variant. On other transcripts: non-coding transcript variant (3), intron variant (4).
Genome position (GRCh38, 1-based): chr22:20,061,649, G>A. VCF-style: chr22-20061649-G-A. GRCh37 (hg19) VCF-style: chr22-20049172-G-A.
Other names: c.571G>A, p.Ala191Thr (NM_001283106.3, NM_001283116.3, NM_001283148.3 and 2 more transcripts); c.694G>A, p.Ala232Thr (NM_001283129.3, NM_001322141.2, NM_001322143.2 and 1 more transcripts); c.385G>A, p.Ala129Thr (NM_001283179.3, NM_001283186.3, NM_001322163.2 and 3 more transcripts); c.277G>A, p.Ala93Thr (NM_001283235.3, NM_001322150.2, NM_001322153.2 and 6 more transcripts); c.508G>A, p.Ala170Thr (NM_001322145.2, NM_001322147.2); c.469G>A, p.Ala157Thr (NM_001322146.2, NM_001322148.2, NM_001322160.2); c.381-1689G>A (NM_001283199.3); c.575-2893G>A (NM_001283215.3); and 3 more; short protein forms A93T, A157T, A129T, A170T, A191T, A232T.
Identifiers: ClinVar variation 1447955 (VCV001447955.8), dbSNP rs777752187, ClinGen allele CA322143484.

ClinVar aggregate classification (germline): Conflicting classifications of pathogenicity. Review status: criteria provided, conflicting classifications (1 of 4 stars). 4 submissions from 4 submitters: Uncertain significance (3); Likely benign (1). Last evaluated 2024-08-22.

Conditions:
Inborn genetic diseases. Identifiers: MedGen C0950123, MeSH D030342.
TANGO2-related disorder. Also called: TANGO2-related condition.

Allele frequency attached by ClinVar (database versions not stated): gnomAD 0.00001; gnomAD exomes 0.00001; TOPMed 0.00002.

Submissions (4):

Blueprint Genetics
Classification: Likely benign. Last evaluated: 2024-08-22. Review status: criteria provided, single submitter. Criteria: ACMG Guidelines, 2015. Collection method: clinical testing. Allele origin: germline.

Labcorp Genetics (formerly Invitae), Labcorp
Classification: Uncertain significance. Last evaluated: 2024-07-24. Review status: criteria provided, single submitter. Criteria: Invitae Variant Classification Sherloc (09022015). Collection method: clinical testing. Allele origin: germline.
Comment: This sequence change replaces alanine, which is neutral and non-polar, with threonine, which is neutral and polar, at codon 191 of the TANGO2 protein (p.Ala191Thr). This variant is present in population databases (rs777752187, gnomAD 0.007%). This variant has not been reported in the literature in individuals affected with TANGO2-related conditions. ClinVar contains an entry for this variant (Variation ID: 1447955). An algorithm developed to predict the effect of missense changes on protein structure and function outputs the following: PolyPhen-2: "Benign". The threonine amino acid residue is found in multiple mammalian species, which suggests that this missense change does not adversely affect protein function. In summary, the available evidence is currently insufficient to determine the role of this variant in disease. Therefore, it has been classified as a Variant of Uncertain Significance.

PreventionGenetics, part of Exact Sciences
Classification: Uncertain significance for TANGO2-related condition. Last evaluated: 2022-12-21. Review status: criteria provided, single submitter. Criteria: ACMG Guidelines, 2015. Collection method: clinical testing. Allele origin: germline.
Comment: The TANGO2 c.571G>A variant is predicted to result in the amino acid substitution p.Ala191Thr. To our knowledge, this variant has not been reported in the literature or in a large population database, indicating this variant is rare. At this time, the clinical significance of this variant is uncertain due to the absence of conclusive functional and genetic evidence.

Ambry Genetics
Classification: Uncertain significance for Inborn genetic diseases. Last evaluated: 2022-08-16. Review status: criteria provided, single submitter. Criteria: Ambry Variant Classification Scheme 2023. Collection method: clinical testing. Allele origin: germline.